The following is an entry in ClinVar:

ClinVar aggregate classification (germline): Uncertain significance (1 of 4 stars; one submission).

Submission:

Labcorp Genetics (formerly Invitae), Labcorp
Classification: Uncertain significance. Last evaluated: 2025-04-26. Review status: criteria provided, single submitter. Criteria: Invitae Variant Classification Sherloc (09022015). Collection method: clinical testing. Allele origin: germline.
Comment: This sequence change replaces threonine, which is neutral and polar, with asparagine, which is neutral and polar, at codon 878 of the C3 protein (p.Thr878Asn). This variant is not present in population databases (gnomAD no frequency). This variant has not been reported in the literature in individuals affected with C3-related conditions. Invitae Evidence Modeling of protein sequence and biophysical properties (such as structural, functional, and spatial information, amino acid conservation, physicochemical variation, residue mobility, and thermodynamic stability) indicates that this missense variant is not expected to disrupt C3 protein function with a negative predictive value of 80%. In summary, the available evidence is currently insufficient to determine the role of this variant in disease. Therefore, it has been classified as a Variant of Uncertain Significance.

NM_000064.4(C3):c.2633C>A (p.Thr878Asn)

Gene: C3 (complement C3; minus strand). Cytogenetic location: 19p13.3.
Variant type: single nucleotide variant.
Coding change: c.2633C>A on transcript NM_000064.4 (MANE Select); coding-DNA position 2633, C replaced by A.
Protein change: p.Thr878Asn; replaces threonine 878 with asparagine.
Molecular consequence: missense variant.
Genome position (GRCh38, 1-based): chr19:6,697,507, G>T on the plus strand (C>A on the coding strand, the complement: C3 is on the minus strand). VCF-style: chr19-6697507-G-T. GRCh37 (hg19) VCF-style: chr19-6697518-G-T.
Other names: short protein forms T878N.
Identifiers: ClinVar variation 4746709 (VCV004746709.1).
Genomic context (GRCh38, chr19:6,697,507, plus strand): 5'-TATGGAACGGACAACGAGGACTTGGGGGGGATGGTTACGGTCTGCTGGTGACGCCTCTTG[G>T]TGGTGGCCAGGCTGCAGAAGGCTGGATTGTGGAGTAGTTCCACCCTCACCTGCCAGGGAG-3'
Protein context (NP_000055.2, residues 868-888): HNPAFCSLAT[Thr878Asn]KRRHQQTVTI